The following is an entry in ClinVar:

NM_145207.3(AFG2A):c.1729C>T (p.Arg577Trp)

Gene: AFG2A (AFG2 AAA ATPase homolog A; plus strand). Cytogenetic location: 4q28.1.
Variant type: single nucleotide variant.
Coding change: c.1729C>T on transcript NM_145207.3 (MANE Select); coding-DNA position 1729, C replaced by T.
Protein change: p.Arg577Trp; replaces arginine 577 with tryptophan.
Molecular consequence: missense variant.
Genome position (GRCh38, 1-based): chr4:122,979,246, C>T. VCF-style: chr4-122979246-C-T. GRCh37 (hg19) VCF-style: chr4-123900401-C-T.
Other names: c.1726C>T, p.Arg576Trp (NM_001317799.2, NM_001345856.2); short protein forms R576W, R577W.
Identifiers: ClinVar variation 654559 (VCV000654559.5), dbSNP rs201782536, ClinGen allele CA3070534.

ClinVar aggregate classification (germline): Uncertain significance (1 of 4 stars; one submission).

Conditions:
Microcephaly-intellectual disability-sensorineural hearing loss-epilepsy-abnormal muscle tone syndrome (NEDHSB). Also called: NEURODEVELOPMENTAL DISORDER WITH HEARING LOSS, SEIZURES, AND BRAIN ABNORMALITIES. Identifiers: Orphanet 457351, MedGen C4225276, MONDO:0014698, OMIM 616577.

Allele frequency attached by ClinVar (database versions not stated): TOPMed 0.00001; ExAC 0.00002; gnomAD exomes 0.00006.
gnomAD v4.1: 37 of 1,613,958 alleles (0.0023%); highest among the groups gnomAD compares: Admixed American, 0.017%; no homozygotes.

Submission:

Labcorp Genetics (formerly Invitae), Labcorp
Classification: Uncertain significance for Microcephaly-intellectual disability-sensorineural hearing loss-epilepsy-abnormal muscle tone syndrome. Last evaluated: 2022-10-25. Review status: criteria provided, single submitter. Criteria: Invitae Variant Classification Sherloc (09022015). Collection method: clinical testing. Allele origin: germline.
Comment: This sequence change replaces arginine, which is basic and polar, with tryptophan, which is neutral and slightly polar, at codon 577 of the SPATA5 protein (p.Arg577Trp). This variant is present in population databases (rs201782536, gnomAD 0.02%). This variant has not been reported in the literature in individuals affected with SPATA5-related conditions. ClinVar contains an entry for this variant (Variation ID: 654559). Advanced modeling of protein sequence and biophysical properties (such as structural, functional, and spatial information, amino acid conservation, physicochemical variation, residue mobility, and thermodynamic stability) performed at Invitae indicates that this missense variant is expected to disrupt SPATA5 protein function. In summary, the available evidence is currently insufficient to determine the role of this variant in disease. Therefore, it has been classified as a Variant of Uncertain Significance.